The following is an entry in ClinVar:

ClinVar aggregate classification (germline): Conflicting classifications of pathogenicity. Review status: criteria provided, conflicting classifications (1 of 4 stars). 6 submissions from 6 submitters: Uncertain significance (1); Benign (2); Likely benign (3). Last evaluated 2026-03-01.

Conditions:
Immunodeficiency, common variable, 4. Also called: ANTIBODY DEFICIENCY DUE TO BAFFR DEFECT. Identifiers: Orphanet 1572, Orphanet 696925, MedGen C3150739, MONDO:0013284, OMIM 613494.

Allele frequency attached by ClinVar (database versions not stated): 1000 Genomes Project 0.00200; 1000 Genomes Project 30x 0.00219; TOPMed 0.00642; gnomAD 0.00697 and 0.00722.
gnomAD v4.1: 15,399 of 1,488,228 alleles (1%); highest among the groups gnomAD compares: Middle Eastern, 2%; 125 homozygotes.

Submissions (6):

CeGaT Center for Human Genetics Tuebingen
Classification: Benign. Last evaluated: 2026-03-01. Review status: criteria provided, single submitter. Criteria: CeGaT Center For Human Genetics Tuebingen Variant Classification Criteria Version 2. Collection method: clinical testing. Allele origin: germline. Affected: yes. Observed: 17 variant alleles.
Comment: TNFRSF13C: BS1, BS2

ARUP Laboratories, Molecular Genetics and Genomics, ARUP Laboratories
Classification: Likely benign for Immunodeficiency, common variable, 4. Last evaluated: 2022-03-07. Review status: criteria provided, single submitter. Criteria: ARUP Molecular Germline Variant Investigation Process 2021. Collection method: clinical testing. Allele origin: germline.

Genetics and Molecular Pathology, SA Pathology
Classification: Likely benign for Immunodeficiency, common variable, 4. Last evaluated: 2020-06-30. Review status: criteria provided, single submitter. Criteria: ACMG Guidelines, 2015. Collection method: clinical testing. Allele origin: germline. Inheritance: Autosomal recessive inheritance. Affected: yes.
Comment: The TNFRSF13C c.191G>T variant is classified as Likely Benign (BS1, BP6)

Labcorp Genetics (formerly Invitae), Labcorp
Classification: Benign for Common variable immunodeficiency 4. Last evaluated: 2019-12-31. Review status: criteria provided, single submitter. Criteria: Invitae Variant Classification Sherloc (09022015). Collection method: clinical testing. Allele origin: germline.

Center for Pediatric Genomic Medicine, Children's Mercy Hospital and Clinics
Classification: Likely benign. Last evaluated: 2017-08-29. Review status: criteria provided, single submitter. Criteria: ACMG Guidelines, 2015. Collection method: clinical testing. Allele origin: germline.

Illumina Laboratory Services, Illumina
Classification: Uncertain significance for Immunodeficiency, common variable, 4. Last evaluated: 2017-04-27. Review status: criteria provided, single submitter. Criteria: ICSL Variant Classification Criteria 13 December 2019. Collection method: clinical testing. Allele origin: germline.
Comment: This variant was observed as part of a predisposition screen in an ostensibly healthy population. A literature search was performed for the gene, cDNA change, and amino acid change (where applicable). Publications were found based on this search. However, the evidence from the literature, in combination with allele frequency data from public databases where available, was not sufficient to rule this variant in or out of causing disease. Therefore, this variant is classified as a variant of unknown significance.

Literature cited by the submitters: PubMed 19666484 (cited by Illumina Laboratory Services, Illumina).

NM_052945.4(TNFRSF13C):c.191G>T (p.Gly64Val)

Genes: TNFRSF13C (TNF receptor superfamily member 13C; minus strand), LOC130067574 (ATAC-STARR-seq lymphoblastoid silent region 13813; plus strand). Cytogenetic location: 22q13.2.
Variant type: single nucleotide variant.
Coding change: c.191G>T on transcript NM_052945.4 (MANE Select); coding-DNA position 191, G replaced by T.
Protein change: p.Gly64Val; replaces glycine 64 with valine.
Molecular consequence: missense variant.
Genome position (GRCh38, 1-based): chr22:41,926,277, C>A on the plus strand (G>T on the coding strand, the complement: TNFRSF13C is on the minus strand). VCF-style: chr22-41926277-C-A. GRCh37 (hg19) VCF-style: chr22-42322281-C-A.
Other names: short protein forms G64V.
Identifiers: ClinVar variation 440343 (VCV000440343.47), dbSNP rs547352394, ClinGen allele CA10262514.
Genomic context (GRCh38, chr22:41,926,277, plus strand): 5'-AGCGCGGGGGCGCCAAAGAGCAGCCCGGGCAGGGGCAGCGCCGCCTCGCCGGCCCCCGCG[C>A]CCACCGACTCCTGCGGCTGCAGCGCCGTCCTGGGCGCAGGGCTGCTGGCCCCGGCTGCTT-3'
Protein context (NP_443177.1, residues 54-74): RTALQPQESV[Gly64Val]AGAGEAALPL